The following is an entry in ClinVar:

ClinVar aggregate classification (germline): Likely benign (0 of 4 stars; one submission).

Conditions:
AURKA-related disorder. Also called: AURKA-related condition.

Allele frequency attached by ClinVar (database versions not stated): gnomAD exomes 0.00025; ExAC 0.00101; 1000 Genomes Project 30x 0.00125; gnomAD 0.00129; 1000 Genomes Project 0.00140; ESP Exome Variant Server 0.00154; TOPMed 0.00173.
gnomAD v4.1: 553 of 1,614,260 alleles (0.034%); highest among the groups gnomAD compares: African/African-American, 0.46%; 6 homozygotes.

Submission:

PreventionGenetics, part of Exact Sciences
Classification: Likely benign for AURKA-related condition. Last evaluated: 2020-07-03. Review status: no assertion criteria provided. Collection method: clinical testing. Allele origin: germline.
Comment: This variant is classified as likely benign based on ACMG/AMP sequence variant interpretation guidelines (Richards et al. 2015 PMID: 25741868, with internal and published modifications).

NM_198437.3(AURKA):c.311C>T (p.Ser104Leu)

Genes: AURKA (aurora kinase A; minus strand), LOC126863064 (BRD4-independent group 4 enhancer GRCh37_chr20:54961142-54962341; plus strand). Cytogenetic location: 20q13.2.
Variant type: single nucleotide variant.
Coding change: c.311C>T on transcript NM_198437.3 (MANE Select); coding-DNA position 311, C replaced by T.
Protein change: p.Ser104Leu; replaces serine 104 with leucine.
Molecular consequence: missense variant.
Genome position (GRCh38, 1-based): chr20:56,386,265, G>A on the plus strand (C>T on the coding strand, the complement: AURKA is on the minus strand). VCF-style: chr20-56386265-G-A. GRCh37 (hg19) VCF-style: chr20-54961321-G-A.
Other names: c.311C>T, p.Ser104Leu (NM_001323303.2, NM_001323304.2, NM_001323305.2 and 6 more transcripts); c.413C>T, p.Ser138Leu (NM_001424418.1, NM_001424419.1, NM_001424420.1); short protein forms S104L, S138L.
Identifiers: ClinVar variation 3033554 (VCV003033554.2), dbSNP rs2230743, ClinGen allele CA9917466.